The following is an entry in ClinVar:

ClinVar aggregate classification (germline): Conflicting classifications of pathogenicity. Review status: criteria provided, conflicting classifications (1 of 4 stars). 8 submissions from 8 submitters: Uncertain significance (4); Likely benign (2). 2 of the submissions do not count toward it. Last evaluated 2026-03-01.

Conditions:
VWF-related disorder. Also called: VWF-related condition; VWF-related disorders.

Allele frequency attached by ClinVar (database versions not stated): gnomAD exomes 0.00021 and 0.00061; ExAC 0.00072; gnomAD 0.00218 and 0.00225; TOPMed 0.00254; ESP Exome Variant Server 0.00277; 1000 Genomes Project 0.00319; 1000 Genomes Project 30x 0.00375.

Submissions (8):

CeGaT Center for Human Genetics Tuebingen
Classification: Likely benign. Last evaluated: 2026-03-01. Review status: criteria provided, single submitter. Criteria: CeGaT Center For Human Genetics Tuebingen Variant Classification Criteria Version 2. Collection method: clinical testing. Allele origin: germline. Affected: yes. Observed: 3 variant alleles.
Comment: VWF: BP4, BS2

Quest Diagnostics Nichols Institute San Juan Capistrano
Classification: Uncertain significance. Last evaluated: 2025-08-13. Review status: criteria provided, single submitter. Criteria: Quest Diagnostics criteria. Collection method: clinical testing. Allele origin: unknown.
Comment: The VWF c.385C>A (p.Leu129Met) variant has been reported in the published literature in individuals affected with Type 3 von Willebrand disease (vWD) who also carry a second variant (PMIDs: 23311757 (2013), 33556167 (2021)). In addition, individuals affected with Type 1 vWD were reported (PMIDs: 17190853 (2007), 21711445 (2011)) though the contribution of this variant to disease is unclear. At least one reportedly unaffected individual was found to be heterozygous for the variant (PMIDs: 22197721 (2012), 33556167 (2021)). The frequency of this variant in the general population (Genome Aggregation Database) is uninformative in the assessment of its pathogenicity. Analysis of this variant using bioinformatics tools for the prediction of the effect of amino acid changes on protein structure and function yielded conflicting predictions that this variant is benign or damaging. Based on the available information, we are unable to determine the clinical significance of this variant.

Mayo Clinic Laboratories, Mayo Clinic
Classification: Likely benign. Last evaluated: 2024-12-12. Review status: criteria provided, single submitter. Criteria: ACMG Guidelines, 2015. Collection method: clinical testing. Allele origin: germline. Observed: 1 variant allele.

Blueprint Genetics
Classification: Uncertain significance. Last evaluated: 2024-09-18. Review status: criteria provided, single submitter. Criteria: ACMG Guidelines, 2015. Collection method: clinical testing. Allele origin: germline.

GeneDx
Classification: Uncertain significance. Last evaluated: 2024-06-12. Review status: criteria provided, single submitter. Criteria: GeneDx Variant Classification Process June 2021. Collection method: clinical testing. Allele origin: germline. Affected: yes.
Comment: Reported previously in association with von Willebrand disease type 1 and type 3, however, it has also been reported in healthy controls with no history of bleeding (PMID: 17190853, 23311757, 22197721, 23690449, 33556167); In silico analysis indicates that this missense variant does not alter protein structure/function; This variant is associated with the following publications: (PMID: 20981092, 19506353, 21711445, 22197721, 23216583, 23311757, 23690449, 25780857, 31968368, 33556167, 17190853)

ARUP Laboratories, Molecular Genetics and Genomics, ARUP Laboratories
Classification: Uncertain significance. Last evaluated: 2023-11-06. Review status: criteria provided, single submitter. Criteria: ARUP Molecular Germline Variant Investigation Process 2024. Collection method: clinical testing. Allele origin: germline.
Comment: The VWF c.385C>A; p.Leu129Met variant (rs61753991) is reported in the literature in compound heterozygous individuals affected with von Willebrand disease type 1 and type 3 (Bowman 2013, James 2007) but has also been found in healthy controls (Bellissimo 2012, Sadler 2021). This variant is also reported in ClinVar (Variation ID: 100293) and is found in the African/African-American population with an allele frequency of 0.7571% (189/24,964 alleles, including one homozygote) in the Genome Aggregation Database. Computational analyses are uncertain whether this variant is neutral or deleterious (REVEL: 0.378). Due to the limited clinical data and lack of functional data, the significance of this variant is uncertain at this time. References: Bellissimo DB et al. VWF mutations and new sequence variations identified in healthy controls are more frequent in the African-American population. Blood. 2012 Mar 1;119(9):2135-40. PMID: 22197721. Bowman M et al. The genetics of Canadian type 3 von Willebrand disease: further evidence for co-dominant inheritance of mutant alleles. J Thromb Haemost. 2013 Mar;11(3):512-20. PMID: 23311757. James PD et al. The mutational spectrum of type 1 von Willebrand disease: Results from a Canadian cohort study. Blood. 2007 Jan 1;109(1):145-54. PMID: 17190853. Sadler B et al. von Willebrand factor antigen levels are associated with burden of rare nonsynonymous variants in the VWF gene. Blood. 2021 Jun 10;137(23):3277-3283. PMID: 33556167.

PreventionGenetics, part of Exact Sciences
Classification: Uncertain significance for VWF-related condition. Last evaluated: 2024-09-05. Review status: no assertion criteria provided. Collection method: clinical testing. Allele origin: germline. Not counted in ClinVar's aggregate classification.
Comment: The VWF c.385C>A variant is predicted to result in the amino acid substitution p.Leu129Met. This variant has been reported in multiple individuals with Von Willebrand disease (James et al. 2007. PubMed ID: 17190853; Robertson et al. 2011. PubMed ID: 21711445; Table S2, Sadler et al. 2021. PubMed ID: 33556167). However, this variant has also been documented in healthy controls (Bellissimo et al. 2011. PubMed ID: 22197721; Table S2, Sadler et al. 2021. PubMed ID: 33556167). This variant is reported in 0.75% of alleles in individuals of African descent in gnomAD, including one homozygote. Although we suspect that this variant may be benign, at this time, the clinical significance of this variant is uncertain due to the absence of conclusive functional and genetic evidence.

Academic Unit of Haematology, University of Sheffield
No classification provided. Review status: no classification provided. Collection method: not provided. Allele origin: not provided. Not counted in ClinVar's aggregate classification.

Literature cited by the submitters: PubMed 19506353 (cited by Quest Diagnostics Nichols Institute San Juan Capistrano); PubMed 21322782 (cited by Quest Diagnostics Nichols Institute San Juan Capistrano); PubMed 25780857 (cited by Quest Diagnostics Nichols Institute San Juan Capistrano and Mayo Clinic Laboratories, Mayo Clinic); PubMed 23311757 (cited by Quest Diagnostics Nichols Institute San Juan Capistrano and Mayo Clinic Laboratories, Mayo Clinic); PubMed 23690449 (cited by Quest Diagnostics Nichols Institute San Juan Capistrano and Mayo Clinic Laboratories, Mayo Clinic); PubMed 17190853 (cited by Quest Diagnostics Nichols Institute San Juan Capistrano and Mayo Clinic Laboratories, Mayo Clinic); PubMed 21711445 (cited by Quest Diagnostics Nichols Institute San Juan Capistrano and Mayo Clinic Laboratories, Mayo Clinic); PubMed 22197721 (cited by Quest Diagnostics Nichols Institute San Juan Capistrano and Mayo Clinic Laboratories, Mayo Clinic); PubMed 36325056 (cited by Quest Diagnostics Nichols Institute San Juan Capistrano); PubMed 37845247 (cited by Quest Diagnostics Nichols Institute San Juan Capistrano and Mayo Clinic Laboratories, Mayo Clinic); PubMed 31968368 (cited by Quest Diagnostics Nichols Institute San Juan Capistrano); PubMed 33556167 (cited by Quest Diagnostics Nichols Institute San Juan Capistrano and Mayo Clinic Laboratories, Mayo Clinic); PubMed 37647632 (cited by Quest Diagnostics Nichols Institute San Juan Capistrano and Mayo Clinic Laboratories, Mayo Clinic); PubMed 23216583 (cited by Mayo Clinic Laboratories, Mayo Clinic); PubMed 35337356 (cited by Mayo Clinic Laboratories, Mayo Clinic).

NM_000552.5(VWF):c.385C>A (p.Leu129Met)

Gene: VWF (von Willebrand factor; minus strand). Cytogenetic location: 12p13.31.
Variant type: single nucleotide variant.
Coding change: c.385C>A on transcript NM_000552.5 (MANE Select); coding-DNA position 385, C replaced by A.
Protein change: p.Leu129Met; replaces leucine 129 with methionine.
Molecular consequence: missense variant.
Genome position (GRCh38, 1-based): chr12:6,110,521, G>T on the plus strand (C>A on the coding strand, the complement: VWF is on the minus strand). VCF-style: chr12-6110521-G-T. GRCh37 (hg19) VCF-style: chr12-6219687-G-T.
Other names: p.Leu129Met; c.385C>A (NM_000552.3); short protein forms L129M.
Identifiers: ClinVar variation 100293 (VCV000100293.34), dbSNP rs61753991, ClinGen allele CA228468.